The following is an entry in ClinVar:

ClinVar aggregate classification (germline): Uncertain significance (1 of 4 stars; one submission).

Submission:

Labcorp Genetics (formerly Invitae), Labcorp
Classification: Uncertain significance. Last evaluated: 2022-11-24. Review status: criteria provided, single submitter. Criteria: Invitae Variant Classification Sherloc (09022015). Collection method: clinical testing. Allele origin: germline.
Comment: In summary, the available evidence is currently insufficient to determine the role of this variant in disease. Therefore, it has been classified as a Variant of Uncertain Significance. Algorithms developed to predict the effect of missense changes on protein structure and function are either unavailable or do not agree on the potential impact of this missense change (SIFT: "Deleterious"; PolyPhen-2: "Possibly Damaging"; Align-GVGD: "Class C0"). This variant has not been reported in the literature in individuals affected with ALPK3-related conditions. This variant is not present in population databases (gnomAD no frequency). This sequence change replaces leucine, which is neutral and non-polar, with glutamine, which is neutral and polar, at codon 622 of the ALPK3 protein (p.Leu622Gln).

NM_020778.5(ALPK3):c.1259T>A (p.Leu420Gln)

Gene: ALPK3 (alpha kinase 3; plus strand). Cytogenetic location: 15q25.3.
Variant type: single nucleotide variant.
Coding change: c.1259T>A on transcript NM_020778.5 (MANE Select); coding-DNA position 1259, T replaced by A.
Protein change: p.Leu420Gln; replaces leucine 420 with glutamine.
Molecular consequence: missense variant.
Genome position (GRCh38, 1-based): chr15:84,840,538, T>A. VCF-style: chr15-84840538-T-A. GRCh37 (hg19) VCF-style: chr15-85383769-T-A.
Other names: short protein forms L420Q.
Identifiers: ClinVar variation 2809566 (VCV002809566.3), dbSNP rs2505706345, ClinGen allele CA393375098.